The following is an entry in ClinVar:

ClinVar aggregate classification (germline): Uncertain significance (1 of 4 stars; one submission).

Conditions:
Bethlem myopathy 1A. Also called: Bethlem Muscular Dystrophy; Bethlem myopathy 1; MYOPATHY, BENIGN CONGENITAL, WITH CONTRACTURES. Identifiers: Orphanet 610, MedGen CN029274, MONDO:0024530, OMIM 158810.

Submission:

Labcorp Genetics (formerly Invitae), Labcorp
Classification: Uncertain significance for Bethlem myopathy 1A. Last evaluated: 2024-01-12. Review status: criteria provided, single submitter. Criteria: Invitae Variant Classification Sherloc (09022015). Collection method: clinical testing. Allele origin: germline.
Comment: This sequence change replaces glutamic acid, which is acidic and polar, with lysine, which is basic and polar, at codon 2753 of the COL6A3 protein (p.Glu2753Lys). This variant is not present in population databases (gnomAD no frequency). This variant has not been reported in the literature in individuals affected with COL6A3-related conditions. ClinVar contains an entry for this variant (Variation ID: 657835). Advanced modeling of protein sequence and biophysical properties (such as structural, functional, and spatial information, amino acid conservation, physicochemical variation, residue mobility, and thermodynamic stability) performed at Invitae indicates that this missense variant is not expected to disrupt COL6A3 protein function with a negative predictive value of 80%. In summary, the available evidence is currently insufficient to determine the role of this variant in disease. Therefore, it has been classified as a Variant of Uncertain Significance.

NM_004369.4(COL6A3):c.8257G>A (p.Glu2753Lys)

Gene: COL6A3 (collagen type VI alpha 3 chain; minus strand). Cytogenetic location: 2q37.3.
Variant type: single nucleotide variant.
Coding change: c.8257G>A on transcript NM_004369.4 (MANE Select); coding-DNA position 8257, G replaced by A.
Protein change: p.Glu2753Lys; replaces glutamic acid 2753 with lysine.
Molecular consequence: missense variant.
Genome position (GRCh38, 1-based): chr2:237,340,659, C>T on the plus strand (G>A on the coding strand, the complement: COL6A3 is on the minus strand). VCF-style: chr2-237340659-C-T. GRCh37 (hg19) VCF-style: chr2-238249302-C-T.
Other names: c.6436G>A, p.Glu2146Lys (NM_057166.5); c.7639G>A, p.Glu2547Lys (NM_057167.4); short protein forms E2547K, E2146K, E2753K.
Identifiers: ClinVar variation 657835 (VCV000657835.9), dbSNP rs144130137, ClinGen allele CA351195762.